The following is an entry in ClinVar:

ClinVar aggregate classification (germline): Uncertain significance (1 of 4 stars; one submission).

Conditions:
Baller-Gerold syndrome (BGS). Also called: CRANIOSYNOSTOSIS WITH RADIAL DEFECTS. Identifiers: Orphanet 1225, MedGen C0265308, MONDO:0009039, OMIM 218600.

Allele frequency attached by ClinVar (database versions not stated): gnomAD exomes below 0.00001 and 0.00001; ExAC 0.00001.
gnomAD v4.1: 1 of 1,612,152 alleles (0.000062%); highest among the groups gnomAD compares: East Asian, 0.0022%; no homozygotes.

Submission:

Labcorp Genetics (formerly Invitae), Labcorp
Classification: Uncertain significance for Baller-Gerold syndrome. Last evaluated: 2022-10-31. Review status: criteria provided, single submitter. Criteria: Invitae Variant Classification Sherloc (09022015). Collection method: clinical testing. Allele origin: germline.
Comment: ClinVar contains an entry for this variant (Variation ID: 1006570). This variant has not been reported in the literature in individuals affected with RECQL4-related conditions. This variant is present in population databases (rs748155891, gnomAD 0.01%). This sequence change falls in intron 6 of the RECQL4 gene. It does not directly change the encoded amino acid sequence of the RECQL4 protein. It affects a nucleotide within the consensus splice site. Variants that disrupt the consensus splice site are a relatively common cause of aberrant splicing (PMID: 17576681, 9536098). Algorithms developed to predict the effect of sequence changes on RNA splicing suggest that this variant is not likely to affect RNA splicing. In summary, the available evidence is currently insufficient to determine the role of this variant in disease. Therefore, it has been classified as a Variant of Uncertain Significance.

Literature cited by the submitters: PubMed 17576681; PubMed 9536098.

NM_004260.4(RECQL4):c.1258+3G>A

Gene: RECQL4 (RecQ like helicase 4; minus strand). Cytogenetic location: 8q24.3.
Variant type: single nucleotide variant.
Coding change: c.1258+3G>A on transcript NM_004260.4 (MANE Select); 3 bases into the intron after coding-DNA position 1258, G replaced by A.
Molecular consequence: intron variant.
Genome position (GRCh38, 1-based): chr8:144,515,761, C>T on the plus strand (G>A on the coding strand, the complement: RECQL4 is on the minus strand). VCF-style: chr8-144515761-C-T. GRCh37 (hg19) VCF-style: chr8-145741145-C-T.
Identifiers: ClinVar variation 1006570 (VCV001006570.5), dbSNP rs748155891, ClinGen allele CA4948975.
Genomic context (GRCh38, chr8:144,515,761, plus strand): 5'-AAAAGAGCACTGCGCCCTCTCCACAGTGTTGGCCGGACCCACCCTCCAGGGCAGATGTCT[C>T]ACCTGGCCGGGGACACTGGGCTGCCCAGTGATCGAACTGCTCGTTCAGGAAACAAGACTC-3'